The following is an entry in ClinVar:

NM_153026.3(PRICKLE1):c.1505T>G (p.Leu502Arg)

Gene: PRICKLE1 (prickle planar cell polarity protein 1; minus strand). Cytogenetic location: 12q12.
Variant type: single nucleotide variant.
Coding change: c.1505T>G on transcript NM_153026.3 (MANE Select); coding-DNA position 1505, T replaced by G.
Protein change: p.Leu502Arg; replaces leucine 502 with arginine.
Molecular consequence: missense variant.
Genome position (GRCh38, 1-based): chr12:42,464,529, A>C on the plus strand (T>G on the coding strand, the complement: PRICKLE1 is on the minus strand). VCF-style: chr12-42464529-A-C. GRCh37 (hg19) VCF-style: chr12-42858331-A-C.
Other names: c.1505T>G, p.Leu502Arg (NM_001144881.2, NM_001144882.2, NM_001144883.2); short protein forms L502R.
Identifiers: ClinVar variation 206668 (VCV000206668.8), dbSNP rs768870075, ClinGen allele CA316990.
Genomic context (GRCh38, chr12:42,464,529, plus strand): 5'-TCCAGGGAATCTTCATACCACTGTGTTTCATCATGATTATACCCTGAAGCCCCATGGTCC[A>C]GTTCCAATTCCTGAAGCCTTCTACTGCTTGCAGGGCCTGGGTGGCTGCCATAAGCAGAAT-3'
Protein context (NP_694571.2, residues 492-512): ASSRRLQELE[Leu502Arg]DHGASGYNHD

ClinVar aggregate classification (germline): Uncertain significance. Review status: criteria provided, multiple submitters, no conflicts (2 of 4 stars). 2 submissions from 2 submitters: Uncertain significance (2). Last evaluated 2025-12-03.

Conditions:
Epilepsy, progressive myoclonic, 1B. Also called: PME. Identifiers: Orphanet 308, MedGen C2676254, MONDO:0012904, OMIM 612437.

Allele frequency attached by ClinVar (database versions not stated): ExAC 0.00002; gnomAD 0.00001; gnomAD exomes 0.00002 and 0.00001.
gnomAD v4.1: 22 of 1,613,878 alleles (0.0014%); highest among the groups gnomAD compares: Admixed American, 0.005%; 1 homozygote.

Submissions (2):

Ambry Genetics
Classification: Uncertain significance. Last evaluated: 2025-12-03. Review status: criteria provided, single submitter. Criteria: Ambry Variant Classification Scheme 2023. Collection method: clinical testing. Allele origin: germline.
Comment: Does not currently meet published gene-disease clinical validity criteria Based on insufficient or conflicting evidence, the clinical significance of this alteration remains unclear.

Labcorp Genetics (formerly Invitae), Labcorp
Classification: Uncertain significance for Epilepsy, progressive myoclonic, 1B. Last evaluated: 2022-05-12. Review status: criteria provided, single submitter. Criteria: Invitae Variant Classification Sherloc (09022015). Collection method: clinical testing. Allele origin: germline.
Comment: This sequence change replaces leucine, which is neutral and non-polar, with arginine, which is basic and polar, at codon 502 of the PRICKLE1 protein (p.Leu502Arg). This variant is present in population databases (rs768870075, gnomAD 0.003%), including at least one homozygous and/or hemizygous individual. This variant has not been reported in the literature in individuals affected with PRICKLE1-related conditions. ClinVar contains an entry for this variant (Variation ID: 206668). Algorithms developed to predict the effect of missense changes on protein structure and function are either unavailable or do not agree on the potential impact of this missense change (SIFT: "Deleterious"; PolyPhen-2: "Possibly Damaging"; Align-GVGD: "Class C0"). In summary, the available evidence is currently insufficient to determine the role of this variant in disease. Therefore, it has been classified as a Variant of Uncertain Significance.

Literature cited by the submitters: PubMed 28106320 (cited by Ambry Genetics).